The following is an entry in ClinVar:

ClinVar aggregate classification (germline): Uncertain significance (1 of 4 stars; one submission).

Submission:

Labcorp Genetics (formerly Invitae), Labcorp
Classification: Uncertain significance. Last evaluated: 2022-04-01. Review status: criteria provided, single submitter. Criteria: Invitae Variant Classification Sherloc (09022015). Collection method: clinical testing. Allele origin: germline.
Comment: This variant has not been reported in the literature in individuals affected with USP53-related conditions. This variant is not present in population databases (gnomAD no frequency). This sequence change replaces threonine, which is neutral and polar, with asparagine, which is neutral and polar, at codon 547 of the USP53 protein (p.Thr547Asn). Algorithms developed to predict the effect of missense changes on protein structure and function (SIFT, PolyPhen-2, Align-GVGD) all suggest that this variant is likely to be tolerated. In summary, the available evidence is currently insufficient to determine the role of this variant in disease. Therefore, it has been classified as a Variant of Uncertain Significance.

NM_001371395.1(USP53):c.1640C>A (p.Thr547Asn)

Gene: USP53 (ubiquitin specific peptidase 53; plus strand). Cytogenetic location: 4q26.
Variant type: single nucleotide variant.
Coding change: c.1640C>A on transcript NM_001371395.1 (MANE Select); coding-DNA position 1640, C replaced by A.
Protein change: p.Thr547Asn; replaces threonine 547 with asparagine.
Molecular consequence: missense variant.
Genome position (GRCh38, 1-based): chr4:119,271,500, C>A. VCF-style: chr4-119271500-C-A. GRCh37 (hg19) VCF-style: chr4-120192655-C-A.
Other names: c.1487C>A, p.Thr496Asn (NM_001371396.1, NM_001389661.1); c.1640C>A, p.Thr547Asn (NM_001371397.1, NM_001371398.1, NM_001371399.1 and 3 more transcripts); c.1490C>A, p.Thr497Asn (NM_001389660.1); c.1292C>A, p.Thr431Asn (NM_001389662.1, NM_001389663.1, NM_001389664.1 and 1 more transcripts); c.1139C>A, p.Thr380Asn (NM_001389665.1, NM_001389667.1); short protein forms T497N, T380N, T496N, T431N, T547N.
Identifiers: ClinVar variation 1949821 (VCV001949821.5), dbSNP rs2530650506, ClinGen allele CA358036481.
Genomic context (GRCh38, chr4:119,271,500, plus strand): 5'-CTTCTGCACAAATAATAAGTTCAAGTAAATCCCAGATTCTTGCTCCAGGAGAGAAAATAA[C>A]TGGCAAAGTTAAGAGTGACAATGGCACTGGATATGACACAGACAGCAGCCAAGATTCTAG-3'
Protein context (NP_001358324.1, residues 537-557): SQILAPGEKI[Thr547Asn]GKVKSDNGTG